The following is an entry in ClinVar:

ClinVar aggregate classification (germline): Benign/Likely benign. Review status: criteria provided, multiple submitters, no conflicts (2 of 4 stars). 7 submissions from 6 submitters: Benign (3); Likely benign (4). Last evaluated 2026-01-26.

Conditions:
Retinitis pigmentosa 39 (RP39). Identifiers: Orphanet 791, MedGen C3151138, MONDO:0013436, OMIM 613809.
Usher syndrome type 2A. Also called: RETINAL DISEASE IN USHER SYNDROME TYPE IIA, MODIFIER OF; USHER SYNDROME, TYPE IIA. Identifiers: Orphanet 231178, Orphanet 886, MedGen C1848634, MONDO:0010169, OMIM 276901.

Allele frequency attached by ClinVar (database versions not stated): gnomAD exomes 0.00007 and 0.00019; ExAC 0.00022; ESP Exome Variant Server 0.00062; 1000 Genomes Project 30x 0.00078; 1000 Genomes Project 0.00080; gnomAD 0.00090 and 0.00097; TOPMed 0.00097.
gnomAD v4.1: 256 of 1,613,844 alleles (0.016%); highest among the groups gnomAD compares: African/African-American, 0.29%; 2 homozygotes.

Submissions (7):

Labcorp Genetics (formerly Invitae), Labcorp
Classification: Benign. Last evaluated: 2026-01-26. Review status: criteria provided, single submitter. Criteria: Invitae Variant Classification Sherloc (09022015). Collection method: clinical testing. Allele origin: germline.

Women's Health and Genetics/Laboratory Corporation of America, LabCorp
Classification: Likely benign. Last evaluated: 2025-04-29. Review status: criteria provided, single submitter. Criteria: LabCorp Variant Classification Summary - May 2015. Collection method: clinical testing. Allele origin: germline.

Blueprint Genetics
Classification: Likely benign. Last evaluated: 2023-09-19. Review status: criteria provided, single submitter. Criteria: ACMG Guidelines, 2015. Collection method: clinical testing. Allele origin: germline.

Genome-Nilou Lab
Classification: Benign for Retinitis pigmentosa 39. Last evaluated: 2023-04-11. Review status: criteria provided, single submitter. Criteria: ACMG Guidelines, 2015. Collection method: clinical testing. Allele origin: germline. Affected: no.

Genome-Nilou Lab
Classification: Benign for Usher syndrome type 2A. Last evaluated: 2023-04-11. Review status: criteria provided, single submitter. Criteria: ACMG Guidelines, 2015. Collection method: clinical testing. Allele origin: germline. Affected: no.

GeneDx
Classification: Likely benign. Last evaluated: 2020-08-31. Review status: criteria provided, single submitter. Criteria: GeneDx Variant Classification Process June 2021. Collection method: clinical testing. Allele origin: germline. Affected: yes.

Laboratory for Molecular Medicine, Mass General Brigham Personalized Medicine
Classification: Likely benign. Last evaluated: 2015-02-26. Review status: criteria provided, single submitter. Criteria: LMM Criteria. Collection method: clinical testing. Allele origin: germline. Observed: 1 variant allele.
Comment: c.3158-7A>G in intron 15 of USH2A: This variant is not expected to have clinical significance because it has been identified in 0.3% (28/10558) of African chrom osomes by the Exome Aggregation Consortium (ExAC, g; dbSNP rs201558076).

NM_206933.4(USH2A):c.3158-7A>G

Genes: USH2A (usherin; minus strand), USH2A-AS1 (USH2A antisense RNA 1; plus strand). Cytogenetic location: 1q41.
Variant type: single nucleotide variant.
Coding change: c.3158-7A>G on transcript NM_206933.4 (MANE Select); 7 bases into the intron before coding-DNA position 3158, A replaced by G.
Molecular consequence: intron variant.
Genome position (GRCh38, 1-based): chr1:216,207,438, T>C on the plus strand (A>G on the coding strand, the complement: USH2A is on the minus strand). VCF-style: chr1-216207438-T-C. GRCh37 (hg19) VCF-style: chr1-216380780-T-C.
Other names: c.3158-7A>G (NM_007123.6).
Identifiers: ClinVar variation 228212 (VCV000228212.22), dbSNP rs201558076, ClinGen allele CA1396064.